The following is an entry in ClinVar:

NM_002080.4(GOT2):c.82A>G (p.Arg28Gly)

Gene: GOT2 (glutamic-oxaloacetic transaminase 2; minus strand). Cytogenetic location: 16q21.
Variant type: single nucleotide variant.
Coding change: c.82A>G on transcript NM_002080.4 (MANE Select); coding-DNA position 82, A replaced by G.
Protein change: p.Arg28Gly; replaces arginine 28 with glycine.
Molecular consequence: missense variant.
Genome position (GRCh38, 1-based): chr16:58,734,147, T>C on the plus strand (A>G on the coding strand, the complement: GOT2 is on the minus strand). VCF-style: chr16-58734147-T-C. GRCh37 (hg19) VCF-style: chr16-58768051-T-C.
Other names: c.82A>G, p.Arg28Gly (NM_001286220.2); short protein forms R28G.
Identifiers: ClinVar variation 1907230 (VCV001907230.2), dbSNP rs763255972, ClinGen allele CA8091156.

ClinVar aggregate classification (germline): Uncertain significance (1 of 4 stars; one submission).

Allele frequency attached by ClinVar (database versions not stated): gnomAD 0.00001; gnomAD exomes 0.00003; TOPMed 0.00003; ExAC 0.00004.
gnomAD v4.1: 35 of 1,331,272 alleles (0.0026%); highest among the groups gnomAD compares: Non-Finnish European, 0.003%; no homozygotes.

Submission:

Labcorp Genetics (formerly Invitae), Labcorp
Classification: Uncertain significance. Last evaluated: 2022-03-05. Review status: criteria provided, single submitter. Criteria: Invitae Variant Classification Sherloc (09022015). Collection method: clinical testing. Allele origin: germline.
Comment: This sequence change replaces arginine, which is basic and polar, with glycine, which is neutral and non-polar, at codon 28 of the GOT2 protein (p.Arg28Gly). This variant is present in population databases (rs763255972, gnomAD 0.01%). This variant has not been reported in the literature in individuals affected with GOT2-related conditions. Algorithms developed to predict the effect of missense changes on protein structure and function are either unavailable or do not agree on the potential impact of this missense change (SIFT: "Tolerated"; PolyPhen-2: "Possibly Damaging"; Align-GVGD: "Class C0"). In summary, the available evidence is currently insufficient to determine the role of this variant in disease. Therefore, it has been classified as a Variant of Uncertain Significance.